The following is an entry in ClinVar:

ClinVar aggregate classification (germline): Uncertain significance (1 of 4 stars; one submission).

Allele frequency attached by ClinVar (database versions not stated): gnomAD exomes below 0.00001; ExAC 0.00001; gnomAD 0.00001.

Submission:

Labcorp Genetics (formerly Invitae), Labcorp
Classification: Uncertain significance. Last evaluated: 2022-02-06. Review status: criteria provided, single submitter. Criteria: Invitae Variant Classification Sherloc (09022015). Collection method: clinical testing. Allele origin: germline.
Comment: Algorithms developed to predict the effect of missense changes on protein structure and function output the following: SIFT: "Tolerated"; PolyPhen-2: "Benign"; Align-GVGD: "Class C0". The threonine amino acid residue is found in multiple mammalian species, which suggests that this missense change does not adversely affect protein function. This variant has not been reported in the literature in individuals affected with C2-related conditions. This variant is present in population databases (rs764248742, gnomAD 0.005%). This sequence change replaces methionine, which is neutral and non-polar, with threonine, which is neutral and polar, at codon 648 of the C2 protein (p.Met648Thr). In summary, the available evidence is currently insufficient to determine the role of this variant in disease. Therefore, it has been classified as a Variant of Uncertain Significance.

NM_000063.6(C2):c.1943T>C (p.Met648Thr)

Gene: C2 (complement C2; plus strand). Cytogenetic location: 6p21.33.
Variant type: single nucleotide variant.
Coding change: c.1943T>C on transcript NM_000063.6 (MANE Select); coding-DNA position 1943, T replaced by C.
Protein change: p.Met648Thr; replaces methionine 648 with threonine.
Molecular consequence: missense variant.
Genome position (GRCh38, 1-based): chr6:31,944,767, T>C. VCF-style: chr6-31944767-T-C. GRCh37 (hg19) VCF-style: chr6-31912544-T-C.
Other names: c.1547T>C, p.Met516Thr (NM_001145903.3); c.1301T>C, p.Met434Thr (NM_001178063.3); c.1205T>C, p.Met402Thr (NM_001282457.2); c.1856T>C, p.Met619Thr (NM_001282458.2); short protein forms M619T, M434T, M516T, M648T, M402T.
Identifiers: ClinVar variation 1965320 (VCV001965320.5), dbSNP rs764248742, ClinGen allele CA3727838.